The following is an entry in ClinVar:

NM_000051.4(ATM):c.4237-10dup

Gene: ATM (ATM serine/threonine kinase; plus strand). Cytogenetic location: 11q22.3.
Variant type: Duplication.
Coding change: c.4237-10dup on transcript NM_000051.4 (MANE Select); 10 bases into the intron before coding-DNA position 4237, one base duplicated (T; older notation c.4237-10dupT).
Molecular consequence: intron variant.
Genome position (GRCh38, 1-based): chr11:108,289,592, T duplicated; the last of 3 consecutive T bases (chr11:108,289,590-108,289,592); duplicating any one gives the same sequence. VCF-style (leftmost placement, unchanged base first): chr11-108289589-G-GT. GRCh37 (hg19) VCF-style: chr11-108160316-G-GT.
Other names: c.4237-10dup (NM_001351834.2).
Identifiers: ClinVar variation 3254210 (VCV003254210.1), dbSNP rs2546908181.

ClinVar aggregate classification (germline): Likely benign (1 of 4 stars; one submission).

Conditions:
Familial cancer of breast. Also called: BREAST CANCER, FAMILIAL; Hereditary breast cancer; hereditary breast carcinoma. Identifiers: Orphanet 227535, MedGen C0346153, MONDO:0016419, OMIM 114480. Disease mechanism: loss of function.

Submission:

Myriad Genetics, Inc.
Classification: Likely benign for Familial cancer of breast. Last evaluated: 2024-05-17. Review status: criteria provided, single submitter. Criteria: Myriad Autosomal Dominant, Autosomal Recessive and X-Linked Classification Criteria (2023). Collection method: clinical testing. Allele origin: unknown.
Comment: This variant is considered likely benign. This variant is intronic and is not expected to impact mRNA splicing.